The following is an entry in ClinVar:

ClinVar aggregate classification (germline): Conflicting classifications of pathogenicity. Review status: criteria provided, conflicting classifications (1 of 4 stars). 3 submissions from 3 submitters: Uncertain significance (2); Likely benign (1). Last evaluated 2025-12-21.

Conditions:
Inborn genetic diseases. Identifiers: MedGen C0950123, MeSH D030342.
Congenital myopathy with internal nuclei and atypical cores. Also called: Myopathy, centronuclear, 4. Identifiers: Orphanet 319160, MedGen C4707232, MONDO:0013890, OMIM 614807.

Allele frequency attached by ClinVar (database versions not stated): gnomAD 0.00005 and 0.00006; gnomAD exomes 0.00005 and 0.00009; TOPMed 0.00006; ExAC 0.00008; ESP Exome Variant Server 0.00015; 1000 Genomes Project 0.00020; 1000 Genomes Project 30x 0.00031.
gnomAD v4.1: 80 of 1,612,690 alleles (0.005%); highest among the groups gnomAD compares: Middle Eastern, 0.033%; no homozygotes.

Submissions (3):

Labcorp Genetics (formerly Invitae), Labcorp
Classification: Uncertain significance for Congenital myopathy with internal nuclei and atypical cores. Last evaluated: 2025-12-21. Review status: criteria provided, single submitter. Criteria: Invitae Variant Classification Sherloc (09022015). Collection method: clinical testing. Allele origin: germline.
Comment: This sequence change replaces threonine, which is neutral and polar, with methionine, which is neutral and non-polar, at codon 185 of the CCDC78 protein (p.Thr185Met). This variant is present in population databases (rs142129985, gnomAD 0.03%). This variant has not been reported in the literature in individuals affected with CCDC78-related conditions. ClinVar contains an entry for this variant (Variation ID: 540470). Invitae Evidence Modeling of protein sequence and biophysical properties (such as structural, functional, and spatial information, amino acid conservation, physicochemical variation, residue mobility, and thermodynamic stability) indicates that this missense variant is not expected to disrupt CCDC78 protein function with a negative predictive value of 80%. In summary, the available evidence is currently insufficient to determine the role of this variant in disease. Therefore, it has been classified as a Variant of Uncertain Significance.

Ambry Genetics
Classification: Uncertain significance for Inborn genetic diseases. Last evaluated: 2025-12-04. Review status: criteria provided, single submitter. Criteria: Ambry Variant Classification Scheme 2023. Collection method: clinical testing. Allele origin: germline.

CeGaT Center for Human Genetics Tuebingen
Classification: Likely benign. Last evaluated: 2025-08-01. Review status: criteria provided, single submitter. Criteria: CeGaT Center For Human Genetics Tuebingen Variant Classification Criteria Version 2. Collection method: clinical testing. Allele origin: germline. Affected: yes. Observed: 1 variant allele.
Comment: CCDC78: BP4

NM_001378030.1(CCDC78):c.554C>T (p.Thr185Met)

Gene: CCDC78 (coiled-coil domain containing 78; minus strand). Cytogenetic location: 16p13.3.
Variant type: single nucleotide variant.
Coding change: c.554C>T on transcript NM_001378030.1 (MANE Select); coding-DNA position 554, C replaced by T.
Protein change: p.Thr185Met; replaces threonine 185 with methionine.
Molecular consequence: missense variant. On other transcripts: synonymous variant (1), non-coding transcript variant (5).
Genome position (GRCh38, 1-based): chr16:725,084, G>A on the plus strand (C>T on the coding strand, the complement: CCDC78 is on the minus strand). VCF-style: chr16-725084-G-A. GRCh37 (hg19) VCF-style: chr16-775084-G-A.
Other names: c.554C>T, p.Thr185Met (NM_001031737.3, NM_001378031.1); c.192C>T, p.Asp64= (NM_001378033.1); short protein forms T185M.
Identifiers: ClinVar variation 540470 (VCV000540470.18), dbSNP rs142129985, ClinGen allele CA7789538.